The following is an entry in ClinVar:

NM_001953.5(TYMP):c.274_275delinsGCG (p.Thr92fs)

Genes: TYMP (thymidine phosphorylase; minus strand), LOC130067864 (ATAC-STARR-seq lymphoblastoid active region 19325; plus strand). Cytogenetic location: 22q13.33.
Variant type: Indel.
Coding change: c.274_275delinsGCG on transcript NM_001953.5 (MANE Select); coding-DNA positions 274 to 275, AC replaced by GCG.
Protein change: p.Thr92fs; shifts the reading frame from threonine 92.
Molecular consequence: frameshift variant.
Genome position (GRCh38, 1-based): chr22:50,529,278-50,529,279, GT replaced by CGC on the plus strand (AC replaced by GCG on the coding strand, the reverse complement: TYMP is on the minus strand). VCF-style: chr22-50529278-GT-CGC. GRCh37 (hg19) VCF-style: chr22-50967707-GT-CGC.
Other names: c.274_275delinsGCG, p.Thr92fs (NM_001113755.3, NM_001113756.3, NM_001257988.1 and 1 more transcripts); short protein forms T92fs.
Identifiers: ClinVar variation 5016405 (VCV005016405.1).
Genomic context (GRCh38, chr22:50,529,278, plus strand): 5'-AGCTGCTGGCGCCAGGCCTCTGGCCACTCCAGCTGCTGTCCCGACTGAGCCAGGGCCTGG[GT>CGC]CAGCACCGAGGTCTCCTCCAGATCCATGCCCCGAAGTCGGATGGCCATCAGCATGGCCCC-3'

ClinVar aggregate classification (germline): Pathogenic (1 of 4 stars; one submission).

Conditions:
Mitochondrial DNA depletion syndrome 1. Also called: POLIP SYNDROME; POLYNEUROPATHY, OPHTHALMOPLEGIA, LEUKOENCEPHALOPATHY, AND INTESTINAL PSEUDOOBSTRUCTION; Mitochondrial Neurogastrointestinal Encephalopathy Disease; MITOCHONDRIAL NEUROGASTROINTESTINAL ENCEPHALOPATHY SYNDROME, TYMP-RELATED; MNGIE, TYMP-RELATED; Mitochondrial neurogastrointestinal encephalomyopathy syndrome. Identifiers: Orphanet 298, MedGen C4551995, MONDO:0011283, OMIM 603041.

Submission:

Myriad Genetics, Inc.
Classification: Pathogenic for Mitochondrial DNA depletion syndrome 1. Last evaluated: 2026-03-19. Review status: criteria provided, single submitter. Criteria: Myriad Autosomal Dominant, Autosomal Recessive and X-Linked Classification Criteria (2023). Collection method: clinical testing. Allele origin: unknown.
Comment: NM_001953.4(TYMP):c.274_275delACinsGCG(T92Afs*32) is expected to be pathogenic in the context of mitochondrial neurogastrointestinal encephalopathy disease. This variant is predicted to lead to an abnormal or absent protein product due to the creation of a premature termination codon in TYMP, a gene where loss-of-function variants are known to be pathogenic. Please note: this variant was assessed in the context of healthy population screening.